The following is an entry in ClinVar:

ClinVar aggregate classification (germline): Uncertain significance. Review status: criteria provided, multiple submitters, no conflicts (2 of 4 stars). 2 submissions from 2 submitters: Uncertain significance (2). Last evaluated 2025-03-26.

Conditions:
Inborn genetic diseases. Identifiers: MedGen C0950123, MeSH D030342.

Allele frequency attached by ClinVar (database versions not stated): gnomAD 0.00001.

Submissions (2):

Ambry Genetics
Classification: Uncertain significance for Inborn genetic diseases. Last evaluated: 2025-03-26. Review status: criteria provided, single submitter. Criteria: Ambry Variant Classification Scheme 2023. Collection method: clinical testing. Allele origin: germline.

Labcorp Genetics (formerly Invitae), Labcorp
Classification: Uncertain significance. Last evaluated: 2022-06-04. Review status: criteria provided, single submitter. Criteria: Invitae Variant Classification Sherloc (09022015). Collection method: clinical testing. Allele origin: germline.
Comment: In summary, the available evidence is currently insufficient to determine the role of this variant in disease. Therefore, it has been classified as a Variant of Uncertain Significance. Algorithms developed to predict the effect of missense changes on protein structure and function (SIFT, PolyPhen-2, Align-GVGD) all suggest that this variant is likely to be tolerated. This variant has not been reported in the literature in individuals affected with RGS9-related conditions. This variant is present in population databases (no rsID available, gnomAD 0.06%). This sequence change replaces serine, which is neutral and polar, with phenylalanine, which is neutral and non-polar, at codon 560 of the RGS9 protein (p.Ser560Phe).

NM_003835.4(RGS9):c.1679C>T (p.Ser560Phe)

Gene: RGS9 (regulator of G protein signaling 9; plus strand). Cytogenetic location: 17q24.1.
Variant type: single nucleotide variant.
Coding change: c.1679C>T on transcript NM_003835.4 (MANE Select); coding-DNA position 1679, C replaced by T.
Protein change: p.Ser560Phe; replaces serine 560 with phenylalanine.
Molecular consequence: missense variant.
Genome position (GRCh38, 1-based): chr17:65,225,273, C>T. VCF-style: chr17-65225273-C-T. GRCh37 (hg19) VCF-style: chr17-63221391-C-T.
Other names: c.1670C>T, p.Ser557Phe (NM_001081955.3); c.1679C>T (NM_003835.3); short protein forms S560F, S557F.
Identifiers: ClinVar variation 2082262 (VCV002082262.5), dbSNP rs1418995139, ClinGen allele CA400673771.